The following is an entry in ClinVar:

ClinVar aggregate classification (germline): Uncertain significance. Review status: criteria provided, multiple submitters, no conflicts (2 of 4 stars). 3 submissions from 3 submitters: Uncertain significance (3). Last evaluated 2025-09-23.

Conditions:
Hereditary sensory neuropathy-deafness-dementia syndrome. Also called: NEUROPATHY, HEREDITARY SENSORY, WITH HEARING LOSS AND DEMENTIA; HSN IE; Hereditary sensory neuropathy type IE; Hereditary Sensory and Autonomic Neuropathy Type 1E (HSAN1E). Identifiers: Orphanet 456318, MedGen C3279885, MONDO:0013584, OMIM 614116.
DNMT1-related disorder. Also called: DNMT1-related condition. Identifiers: MedGen CN381527.
Inborn genetic diseases. Identifiers: MedGen C0950123, MeSH D030342.

Allele frequency attached by ClinVar (database versions not stated): gnomAD exomes below 0.00001 and 0.00001; ExAC 0.00001; TOPMed 0.00002.
gnomAD v4.1: 7 of 1,613,918 alleles (0.00043%); highest among the groups gnomAD compares: African/African-American, 0.0013%; no homozygotes.

Submissions (3):

PreventionGenetics, part of Exact Sciences
Classification: Uncertain significance for DNMT1-related condition. Last evaluated: 2025-09-23. Review status: criteria provided, single submitter. Criteria: ACMG Guidelines, 2015. Collection method: clinical testing. Allele origin: germline.
Comment: The DNMT1 c.3677G>A variant is predicted to result in the amino acid substitution p.Arg1226Gln. To our knowledge, this variant has not been reported in the literature. This variant is reported in 0.0040% of alleles in individuals of African descent in gnomAD. At this time, the clinical significance of this variant is uncertain due to the absence of conclusive functional and genetic evidence.

Labcorp Genetics (formerly Invitae), Labcorp
Classification: Uncertain significance for Hereditary sensory neuropathy-deafness-dementia syndrome. Last evaluated: 2023-04-01. Review status: criteria provided, single submitter. Criteria: Invitae Variant Classification Sherloc (09022015). Collection method: clinical testing. Allele origin: germline.
Comment: In summary, the available evidence is currently insufficient to determine the role of this variant in disease. Therefore, it has been classified as a Variant of Uncertain Significance. Advanced modeling of protein sequence and biophysical properties (such as structural, functional, and spatial information, amino acid conservation, physicochemical variation, residue mobility, and thermodynamic stability) performed at Invitae indicates that this missense variant is not expected to disrupt DNMT1 protein function. ClinVar contains an entry for this variant (Variation ID: 1023085). This variant has not been reported in the literature in individuals affected with DNMT1-related conditions. This variant is present in population databases (rs753205659, gnomAD 0.004%). This sequence change replaces arginine, which is basic and polar, with glutamine, which is neutral and polar, at codon 1226 of the DNMT1 protein (p.Arg1226Gln).

Ambry Genetics
Classification: Uncertain significance for Inborn genetic diseases. Last evaluated: 2019-08-26. Review status: criteria provided, single submitter. Criteria: Ambry Variant Classification Scheme 2023. Collection method: clinical testing. Allele origin: germline.
Comment: The p.R1210Q variant (also known as c.3629G>A), located in coding exon 32 of the DNMT1 gene, results from a G to A substitution at nucleotide position 3629. The arginine at codon 1210 is replaced by glutamine, an amino acid with highly similar properties. This amino acid position is poorly conserved in available vertebrate species. In addition, this alteration is predicted to be tolerated by in silico analysis. Since supporting evidence is limited at this time, the clinical significance of this alteration remains unclear.

NM_001130823.3(DNMT1):c.3677G>A (p.Arg1226Gln)

Gene: DNMT1 (DNA methyltransferase 1; minus strand). Cytogenetic location: 19p13.2.
Variant type: single nucleotide variant.
Coding change: c.3677G>A on transcript NM_001130823.3 (MANE Select); coding-DNA position 3677, G replaced by A.
Protein change: p.Arg1226Gln; replaces arginine 1226 with glutamine.
Molecular consequence: missense variant.
Genome position (GRCh38, 1-based): chr19:10,140,175, C>T on the plus strand (G>A on the coding strand, the complement: DNMT1 is on the minus strand). VCF-style: chr19-10140175-C-T. GRCh37 (hg19) VCF-style: chr19-10250851-C-T.
Other names: c.3629G>A, p.Arg1210Gln (NM_001318730.2, NM_001379.4); c.3314G>A, p.Arg1105Gln (NM_001318731.2); c.3677G>A (NM_001130823.2); short protein forms R1105Q, R1210Q, R1226Q.
Identifiers: ClinVar variation 1023085 (VCV001023085.11), dbSNP rs753205659, ClinGen allele CA9187691.